The following is an entry in ClinVar:

NM_001365276.2(TNXB):c.1498G>T (p.Asp500Tyr)

Gene: TNXB (tenascin XB; minus strand). Cytogenetic location: 6p21.33.
Variant type: single nucleotide variant.
Coding change: c.1498G>T on transcript NM_001365276.2 (MANE Select); coding-DNA position 1498, G replaced by T.
Protein change: p.Asp500Tyr; replaces aspartic acid 500 with tyrosine.
Molecular consequence: missense variant.
Genome position (GRCh38, 1-based): chr6:32,096,355, C>A on the plus strand (G>T on the coding strand, the complement: TNXB is on the minus strand). VCF-style: chr6-32096355-C-A. GRCh37 (hg19) VCF-style: chr6-32064132-C-A.
Other names: c.1498G>T, p.Asp500Tyr (NM_001428335.1, NM_019105.8); short protein forms D500Y.
Identifiers: ClinVar variation 3971991 (VCV003971991.1).
Genomic context (GRCh38, chr6:32,096,355, plus strand): 5'-CGGTGAAGCCCGGGTTGCACACGCAGCGGCCATCCACGCAGCGCCCGCGCCCGCGACAGT[C>A]GCCAGGACAGGCGCGCGTGCCGCAGTCCCGGCCTGTGTACCCCGGCCAACACATGCAGCG-3'
Protein context (NP_001352205.1, residues 490-510): RDCGTRACPG[Asp500Tyr]CRGRGRCVDG

ClinVar aggregate classification (germline): Uncertain significance (1 of 4 stars; one submission).

Conditions:
Cardiovascular phenotype. Identifiers: MedGen CN230736.

gnomAD v4.1: 6 of 1,553,742 alleles (0.00039%); highest among the groups gnomAD compares: East Asian, 0.012%; no homozygotes.

Submission:

Ambry Genetics
Classification: Uncertain significance for Cardiovascular phenotype. Last evaluated: 2025-04-07. Review status: criteria provided, single submitter. Criteria: Ambry Variant Classification Scheme 2023. Collection method: clinical testing. Allele origin: germline.
Comment: The p.D500Y variant (also known as c.1498G>T), located in coding exon 2 of the TNXB gene, results from a G to T substitution at nucleotide position 1498. The aspartic acid at codon 500 is replaced by tyrosine, an amino acid with highly dissimilar properties. This amino acid position is conserved. In addition, this alteration is predicted to be tolerated by in silico analysis. Based on the available evidence, the clinical significance of this variant remains unclear.